The following is an entry in ClinVar:

ClinVar aggregate classification (germline): Uncertain significance. Review status: criteria provided, multiple submitters, no conflicts (2 of 4 stars). 3 submissions from 3 submitters: Uncertain significance (3). Last evaluated 2025-09-01.

Conditions:
Hereditary breast ovarian cancer syndrome. Also called: Breast and ovarian cancer; Hereditary breast and/or ovarian cancer syndrome; BRCA1- and BRCA2-Associated Hereditary Breast and Ovarian Cancer; Hereditary breast and ovarian cancer syndrome; Hereditary breast and ovarian cancer syndrome (HBOC); Hereditary breast and ovarian cancer. Identifiers: Orphanet 145, MedGen C0677776, MeSH D061325, MONDO:0003582. Disease mechanism: loss of function.
Breast-ovarian cancer, familial, susceptibility to, 1 (BROVCA1). Also called: BRCA1 Hereditary Breast and Ovarian Cancer; OVARIAN CANCER, SUSCEPTIBILITY TO. Identifiers: Orphanet 145, MedGen C2676676, MONDO:0011450, OMIM 604370. Disease mechanism: loss of function.
Hereditary cancer-predisposing syndrome. Also called: Tumor predisposition; Hereditary Cancer Syndrome; Hereditary neoplastic syndrome; Neoplastic Syndromes, Hereditary. Identifiers: Orphanet 140162, MedGen C0027672, MeSH D009386, MONDO:0015356.

Allele frequency attached by ClinVar (database versions not stated): gnomAD exomes below 0.00001.
gnomAD v4.1: 1 of 1,614,212 alleles (0.000062%); highest among the groups gnomAD compares: East Asian, 0.0022%; no homozygotes.

Submissions (3):

Labcorp Genetics (formerly Invitae), Labcorp
Classification: Uncertain significance for Hereditary breast ovarian cancer syndrome. Last evaluated: 2025-09-01. Review status: criteria provided, single submitter. Criteria: Invitae Variant Classification Sherloc (09022015). Collection method: clinical testing. Allele origin: germline.
Comment: This sequence change replaces histidine, which is basic and polar, with arginine, which is basic and polar, at codon 1618 of the BRCA1 protein (p.His1618Arg). This variant is not present in population databases (gnomAD no frequency). This variant has not been reported in the literature in individuals affected with BRCA1-related conditions. ClinVar contains an entry for this variant (Variation ID: 482919). Invitae Evidence Modeling of protein sequence and biophysical properties (such as structural, functional, and spatial information, amino acid conservation, physicochemical variation, residue mobility, and thermodynamic stability) indicates that this missense variant is not expected to disrupt BRCA1 protein function with a negative predictive value of 95%. In summary, the available evidence is currently insufficient to determine the role of this variant in disease. Therefore, it has been classified as a Variant of Uncertain Significance.

KCCC/NGS Laboratory, Kuwait Cancer Control Center
Classification: Uncertain significance for Breast-ovarian cancer, familial, susceptibility to, 1. Last evaluated: 2023-09-13. Review status: criteria provided, single submitter. Criteria: ACMG Guidelines, 2015. Collection method: clinical testing. Allele origin: germline. Inheritance: Autosomal dominant inheritance. Affected: yes. Observed: 1 heterozygote.
Comment: This sequence change replaces histidine with arginine at codon 1639 of the BRCA1 protein (p.His1639Arg). The histidine residue is weakly conserved and there is a small physicochemical difference between histidine and arginine. This variant is not present in population databases (ExAC no frequency). This variant has not been reported in the literature in individuals affected with BRCA1-related conditions. ClinVar contains an entry for this variant (Variation ID: 482919). In-silico predictions show benign computational verdict based on 10 benign predictions from DANN, DEOGEN2, EIGEN, FATHMM-MKL, LIST-S2, MVP, MutationAssessor, MutationTaster, PrimateAI and SIFT vs 2 pathogenic predictions from BayesDel_addAF and M-CAP and the position is not highly conserved. Therefore, it has been classified as a Variant of Uncertain Significance.

Ambry Genetics
Classification: Uncertain significance for Hereditary cancer-predisposing syndrome. Last evaluated: 2016-08-09. Review status: criteria provided, single submitter. Criteria: Ambry Variant Classification Scheme 2023. Collection method: clinical testing. Allele origin: germline.
Comment: The p.H1618R variant (also known as c.4853A>G), located in coding exon 14 of the BRCA1 gene, results from an A to G substitution at nucleotide position 4853. The histidine at codon 1618 is replaced by arginine, an amino acid with highly similar properties. This variant was not reported in population based cohorts in the following databases: Database of Single Nucleotide Polymorphisms (dbSNP), NHLBI Exome Sequencing Project (ESP), and 1000 Genomes Project. In the ESP, this variant was not observed in 6503 samples (13006 alleles) with coverage at this position. To date, this alteration has been detected with an allele frequency of approximately 0.0003% (greater than 300000 alleles tested) in our clinical cohort. This amino acid position is poorly conserved in available vertebrate species. In addition, the in silico prediction for this alteration is inconclusive. Since supporting evidence is limited at this time, the clinical significance of this alteration remains unclear.

NM_007294.4(BRCA1):c.4853A>G (p.His1618Arg)

Gene: BRCA1 (BRCA1 DNA repair associated; minus strand). Cytogenetic location: 17q21.31.
Variant type: single nucleotide variant.
Coding change: c.4853A>G on transcript NM_007294.4 (MANE Select); coding-DNA position 4853, A replaced by G.
Protein change: p.His1618Arg; replaces histidine 1618 with arginine.
Molecular consequence: missense variant. On other transcripts: non-coding transcript variant (1).
Genome position (GRCh38, 1-based): chr17:43,071,061, T>C on the plus strand (A>G on the coding strand, the complement: BRCA1 is on the minus strand). VCF-style: chr17-43071061-T-C. GRCh37 (hg19) VCF-style: chr17-41223078-T-C.
Other names: c.4640A>G, p.His1547Arg (NM_001407571.1, NM_001407899.1, NM_001407900.1 and 12 more transcripts); c.4919A>G, p.His1640Arg (NM_001407581.1, NM_001407582.1); c.4916A>G, p.His1639Arg (NM_001407583.1, NM_001407585.1, NM_001407587.1 and 1 more transcripts); c.4913A>G, p.His1638Arg (NM_001407590.1, NM_001407591.1); c.4853A>G, p.His1618Arg (NM_001407593.1, NM_001407594.1, NM_001407596.1 and 8 more transcripts); c.4850A>G, p.His1617Arg (NM_001407610.1, NM_001407611.1, NM_001407612.1 and 17 more transcripts); c.4847A>G, p.His1616Arg (NM_001407628.1, NM_001407629.1, NM_001407630.1 and 14 more transcripts); c.4796A>G, p.His1599Arg (NM_001407648.1); and 71 more; short protein forms H1618R, H514R, H1571R, H1639R, H1449R, H1464R, H1505R, H1529R.
Identifiers: ClinVar variation 482919 (VCV000482919.13), dbSNP rs1277159752, ClinGen allele CA10591820.
Genomic context (GRCh38, chr17:43,071,061, plus strand): 5'-TCTGGCTTCTCCCTGCTCACACTTTCTTCCATTGCATTATACCCAGCAGTATCAGTAGTA[T>C]GAGCAGCAGCTGGACTCTGGGCAGATTCTGCAACTTTCAATTGGGGAACTTTCAATGCAG-3'
Protein context (NP_009225.1, residues 1608-1628): AESAQSPAAA[His1618Arg]TTDTAGYNAM